The following is an entry in ClinVar:

ClinVar aggregate classification (germline): Benign/Likely benign. Review status: criteria provided, multiple submitters, no conflicts (2 of 4 stars). 12 submissions from 12 submitters: Benign (10); Likely benign (1). 1 of the submissions does not count toward it. Last evaluated 2026-02-04.

Conditions:
Severe combined immunodeficiency, autosomal recessive, T cell-negative, B cell-negative, NK cell-negative, due to adenosine deaminase deficiency. Also called: SCID DUE TO ADA DEFICIENCY; SCID DUE TO ADA DEFICIENCY, EARLY-ONSET; ADA-SCID; ADA deficiency; Adenosine deaminase deficient severe combined immunodeficiency; Severe combined immunodeficiency due to ADA deficiency. Identifiers: Orphanet 277, MedGen C0392607, MONDO:0007064, OMIM 102700.

Allele frequency attached by ClinVar (database versions not stated): gnomAD exomes 0.18144 and 0.19782; ExAC 0.20570; gnomAD 0.24263 and 0.24494; ESP Exome Variant Server 0.24858; TOPMed 0.25252; 1000 Genomes Project 0.26577; 1000 Genomes Project 30x 0.27280.
gnomAD v4.1: 303,107 of 1,613,656 alleles (19%); highest among the groups gnomAD compares: African/African-American, 42%; 31,178 homozygotes.

Submissions (12):

Labcorp Genetics (formerly Invitae), Labcorp
Classification: Benign for Severe combined immunodeficiency, autosomal recessive, T cell-negative, B cell-negative, NK cell-negative, due to adenosine deaminase deficiency. Last evaluated: 2026-02-04. Review status: criteria provided, single submitter. Criteria: Invitae Variant Classification Sherloc (09022015). Collection method: clinical testing. Allele origin: germline.

ARUP Laboratories, Molecular Genetics and Genomics, ARUP Laboratories
Classification: Benign. Last evaluated: 2025-07-25. Review status: criteria provided, single submitter. Criteria: ARUP Molecular Germline Variant Investigation Process 2024. Collection method: clinical testing. Allele origin: germline.

Blueprint Genetics
Classification: Likely benign. Last evaluated: 2024-11-28. Review status: criteria provided, single submitter. Criteria: ACMG Guidelines, 2015. Collection method: clinical testing. Allele origin: germline.

Unidad de Genómica Garrahan, Hospital de Pediatría Garrahan
Classification: Benign. Last evaluated: 2024-01-24. Review status: criteria provided, single submitter. Criteria: ACMG Guidelines, 2015. Collection method: clinical testing. Allele origin: germline. Affected: no. Observed: 33 variant alleles.
Comment: This variant is classified as Benign based on local population frequency. This variant was detected in 35% of patients studied by a panel of primary immunodeficiencies. Number of patients: 33. Only high quality variants are reported.

Genome-Nilou Lab
Classification: Benign for Severe combined immunodeficiency, autosomal recessive, T cell-negative, B cell-negative, NK cell-negative, due to adenosine deaminase deficiency. Last evaluated: 2021-06-10. Review status: criteria provided, single submitter. Criteria: ACMG Guidelines, 2015. Collection method: clinical testing. Allele origin: germline. Affected: no.

Mayo Clinic Laboratories, Mayo Clinic
Classification: Benign. Last evaluated: 2018-04-18. Review status: criteria provided, single submitter. Criteria: ACMG Guidelines, 2015. Collection method: clinical testing. Allele origin: germline. Observed: 434 variant alleles.

Illumina Laboratory Services, Illumina
Classification: Benign for Severe combined immunodeficiency, autosomal recessive, T cell-negative, B cell-negative, NK cell-negative, due to adenosine deaminase deficiency. Last evaluated: 2018-01-13. Review status: criteria provided, single submitter. Criteria: ICSL Variant Classification Criteria 13 December 2019. Collection method: clinical testing. Allele origin: germline.
Comment: This variant was observed in the ICSL laboratory as part of a predisposition screen in an ostensibly healthy population. It had not been previously curated by ICSL or reported in the Human Gene Mutation Database (HGMD: prior to June 1st, 2018), and was therefore a candidate for classification through an automated scoring system. Utilizing variant allele frequency, disease prevalence and penetrance estimates, and inheritance mode, an automated score was calculated to assess if this variant is too frequent to cause the disease. Based on the score and internal cut-off values, a variant classified as benign is not then subjected to further curation. The score for this variant resulted in a classification of benign for this disease.

Laboratory for Molecular Medicine, Mass General Brigham Personalized Medicine
Classification: Benign. Last evaluated: 2016-03-28. Review status: criteria provided, single submitter. Criteria: LMM Criteria. Collection method: clinical testing. Allele origin: germline.
Comment: Variant identified in a genome or exome case(s) and assessed due to predicted null impact of the variant or pathogenic assertions in the literature or databases. Disclaimer: This variant has not undergone full assessment. The following are preliminary notes: Frequency, silent variant not near splice

GeneDx
Classification: Benign. Last evaluated: 2015-03-03. Review status: criteria provided, single submitter. Criteria: GeneDx Variant Classification Process June 2021. Collection method: clinical testing. Allele origin: germline. Affected: yes.

Breakthrough Genomics
Classification: Benign. Review status: criteria provided, single submitter. Criteria: ACMG Guidelines, 2015. Collection method: not provided. Allele origin: germline. Inheritance: Autosomal recessive inheritance. Affected: yes.

PreventionGenetics, part of Exact Sciences
Classification: Benign. Review status: criteria provided, single submitter. Criteria: ACMG Guidelines, 2015. Collection method: clinical testing. Allele origin: germline.

Natera, Inc.
Classification: Benign for Severe combined immunodeficiency due to ADA deficiency. Last evaluated: 2020-09-16. Review status: no assertion criteria provided. Collection method: clinical testing. Allele origin: germline. Not counted in ClinVar's aggregate classification.

NM_000022.4(ADA):c.534A>G (p.Val178=)

Gene: ADA (adenosine deaminase; minus strand). Cytogenetic location: 20q13.12.
Variant type: single nucleotide variant.
Coding change: c.534A>G on transcript NM_000022.4 (MANE Select); coding-DNA position 534, A replaced by G.
Protein change: p.Val178=; no amino-acid change (valine 178 retained).
Molecular consequence: synonymous variant. On other transcripts: non-coding transcript variant (1).
Genome position (GRCh38, 1-based): chr20:44,624,274, T>C on the plus strand (A>G on the coding strand, the complement: ADA is on the minus strand). VCF-style: chr20-44624274-T-C. GRCh37 (hg19) VCF-style: chr20-43252915-T-C.
Other names: p.Val178=; c.129A>G, p.Val43= (NM_001322050.2); c.534A>G, p.Val178= (NM_001322051.2).
Identifiers: ClinVar variation 254716 (VCV000254716.40), dbSNP rs244076, ClinGen allele CA9871632.